The following is an entry in ClinVar:

NM_000256.3(MYBPC3):c.2542G>A (p.Ala848Thr)

Gene: MYBPC3 (myosin binding protein C3; minus strand). Cytogenetic location: 11p11.2.
Variant type: single nucleotide variant.
Coding change: c.2542G>A on transcript NM_000256.3 (MANE Select); coding-DNA position 2542, G replaced by A.
Protein change: p.Ala848Thr; replaces alanine 848 with threonine.
Molecular consequence: missense variant.
Genome position (GRCh38, 1-based): chr11:47,337,451, C>T on the plus strand (G>A on the coding strand, the complement: MYBPC3 is on the minus strand). VCF-style: chr11-47337451-C-T. GRCh37 (hg19) VCF-style: chr11-47359002-C-T.
Other names: short protein forms A848T.
Identifiers: ClinVar variation 1370163 (VCV001370163.6), dbSNP rs747407752, ClinGen allele CA078797.
Genomic context (GRCh38, chr11:47,337,451, plus strand): 5'-CGATAGGCATGAAGGGCTGGGAGGCAGGGCTGGGCCTGGACATGCCGATGGCGTTGACCG[C>T]GTAGACGCGCATCTCGTACACCACGCCCTCGATCATGCGCCGCGCTTCATGACTCAGCTC-3'
Protein context (NP_000247.2, residues 838-858): EGVVYEMRVY[Ala848Thr]VNAIGMSRPS

ClinVar aggregate classification (germline): Uncertain significance. Review status: criteria provided, multiple submitters, no conflicts (2 of 4 stars). 2 submissions from 2 submitters: Uncertain significance (2). Last evaluated 2025-07-09.

Conditions:
Cardiomyopathy (CMYO). Also called: Cardiomyopathies. Identifiers: Orphanet 167848, MedGen C0878544, MONDO:0004994, HP:0001638. Inheritance: Various modes of inheritance.
Hypertrophic cardiomyopathy. Also called: HYPERTROPHIC MYOCARDIOPATHY. Identifiers: Orphanet 217569, MedGen C0007194, MeSH D002312, MONDO:0005045, HP:0001639.

Allele frequency attached by ClinVar (database versions not stated): gnomAD exomes below 0.00001; ExAC 0.00001.
gnomAD v4.1: 2 of 1,613,186 alleles (0.00012%); no homozygotes.

Submissions (2):

Color Diagnostics, LLC DBA Color Health
Classification: Uncertain significance for Cardiomyopathy. Last evaluated: 2025-07-09. Review status: criteria provided, single submitter. Criteria: ACMG Guidelines, 2015. Collection method: clinical testing. Allele origin: germline.
Comment: This missense variant replaces alanine with threonine at codon 848 of the MYBPC3 protein. Computational prediction suggests that this variant may have a deleterious impact on protein structure and function. To our knowledge, functional studies have not been reported for this variant. This variant has been reported in an infant affected with sudden death (PMID: 30086531). This variant has been identified in 1/247566 chromosomes in the general population by the Genome Aggregation Database (gnomAD). The available evidence is insufficient to determine the role of this variant in disease conclusively. Therefore, this variant is classified as a Variant of Uncertain Significance.

Labcorp Genetics (formerly Invitae), Labcorp
Classification: Uncertain significance for Hypertrophic cardiomyopathy. Last evaluated: 2024-09-01. Review status: criteria provided, single submitter. Criteria: Invitae Variant Classification Sherloc (09022015). Collection method: clinical testing. Allele origin: germline.
Comment: This sequence change replaces alanine, which is neutral and non-polar, with threonine, which is neutral and polar, at codon 848 of the MYBPC3 protein (p.Ala848Thr). This variant is present in population databases (rs747407752, gnomAD no frequency). This variant has not been reported in the literature in individuals affected with MYBPC3-related conditions. ClinVar contains an entry for this variant (Variation ID: 1370163). An algorithm developed to predict the effect of missense changes on protein structure and function (PolyPhen-2) suggests that this variant is likely to be disruptive. This variant disrupts the p.Ala848 amino acid residue in MYBPC3. Other variant(s) that disrupt this residue have been observed in individuals with MYBPC3-related conditions (PMID: 23816408, 25740977, 33782553), which suggests that this may be a clinically significant amino acid residue. In summary, the available evidence is currently insufficient to determine the role of this variant in disease. Therefore, it has been classified as a Variant of Uncertain Significance.

Literature cited by the submitters: PubMed 30086531 (cited by Color Diagnostics, LLC DBA Color Health); PubMed 23816408 (cited by Labcorp Genetics (formerly Invitae), Labcorp); PubMed 25740977 (cited by Labcorp Genetics (formerly Invitae), Labcorp); PubMed 33782553 (cited by Labcorp Genetics (formerly Invitae), Labcorp).